The following is an entry in ClinVar:

NM_000264.5(PTCH1):c.3912G>T (p.Arg1304Ser)

Gene: PTCH1 (patched 1; minus strand). Cytogenetic location: 9q22.32.
Variant type: single nucleotide variant.
Coding change: c.3912G>T on transcript NM_000264.5 (MANE Select); coding-DNA position 3912, G replaced by T.
Protein change: p.Arg1304Ser; replaces arginine 1304 with serine.
Molecular consequence: missense variant. On other transcripts: non-coding transcript variant (1).
Genome position (GRCh38, 1-based): chr9:95,447,344, C>A on the plus strand (G>T on the coding strand, the complement: PTCH1 is on the minus strand). VCF-style: chr9-95447344-C-A. GRCh37 (hg19) VCF-style: chr9-98209626-C-A.
Other names: c.3714G>T, p.Arg1238Ser (NM_001083602.3); c.3909G>T, p.Arg1303Ser (NM_001083603.3); c.3459G>T, p.Arg1153Ser (NM_001083604.3, NM_001083605.3, NM_001083606.3 and 1 more transcripts); c.3756G>T, p.Arg1252Ser (NM_001354918.2); short protein forms R1238S, R1304S, R1303S, R1153S, R1252S.
Identifiers: ClinVar variation 453871 (VCV000453871.13), dbSNP rs757702954, ClinGen allele CA196558476.

ClinVar aggregate classification (germline): Conflicting classifications of pathogenicity. Review status: criteria provided, conflicting classifications (1 of 4 stars). 2 submissions from 2 submitters: Uncertain significance (1); Likely benign (1). Last evaluated 2025-09-14.

Conditions:
Hereditary cancer-predisposing syndrome. Also called: Tumor predisposition; Hereditary Cancer Syndrome; Neoplastic Syndromes, Hereditary; Hereditary neoplastic syndrome. Identifiers: Orphanet 140162, MedGen C0027672, MeSH D009386, MONDO:0015356.
Gorlin syndrome. Also called: Basal cell nevus syndrome; Nevoid Basal Cell Carcinoma Syndrome. Identifiers: Orphanet 377, MedGen C0004779, MONDO:0007187.

Allele frequency attached by ClinVar (database versions not stated): gnomAD 0.00001; TOPMed 0.00002.
gnomAD v4.1: 11 of 1,613,416 alleles (0.00068%); highest among the groups gnomAD compares: Non-Finnish European, 0.00093%; no homozygotes.

Submissions (2):

Labcorp Genetics (formerly Invitae), Labcorp
Classification: Likely benign for Gorlin syndrome. Last evaluated: 2025-09-14. Review status: criteria provided, single submitter. Criteria: Invitae Variant Classification Sherloc (09022015). Collection method: clinical testing. Allele origin: germline.

Ambry Genetics
Classification: Uncertain significance for Hereditary cancer-predisposing syndrome. Last evaluated: 2024-08-21. Review status: criteria provided, single submitter. Criteria: Ambry Variant Classification Scheme 2023. Collection method: clinical testing. Allele origin: germline.
Comment: The p.R1304S variant (also known as c.3912G>T), located in coding exon 23 of the PTCH1 gene, results from a G to T substitution at nucleotide position 3912. The arginine at codon 1304 is replaced by serine, an amino acid with dissimilar properties. This amino acid position is highly conserved in available vertebrate species. In addition, the in silico prediction for this alteration is inconclusive. Since supporting evidence is limited at this time, the clinical significance of this alteration remains unclear.